The following is an entry in ClinVar:

NM_001273.5(CHD4):c.5629C>T (p.Arg1877Ter)

Genes: CHD4 (chromodomain helicase DNA binding protein 4; minus strand), CHD4-AS1 (CHD4 antisense RNA 1; plus strand). Cytogenetic location: 12p13.31.
Variant type: single nucleotide variant.
Coding change: c.5629C>T on transcript NM_001273.5 (MANE Select); coding-DNA position 5629, C replaced by T.
Protein change: p.Arg1877Ter; replaces arginine 1877 with a stop codon.
Molecular consequence: nonsense.
Genome position (GRCh38, 1-based): chr12:6,570,961, G>A on the plus strand (C>T on the coding strand, the complement: CHD4 is on the minus strand). VCF-style: chr12-6570961-G-A. GRCh37 (hg19) VCF-style: chr12-6680127-G-A.
Other names: c.5599C>T, p.Arg1867Ter (NM_001363606.2); c.5608C>T, p.Arg1870Ter (NM_001297553.2); short protein forms R1867*, R1870*, R1877*.
Identifiers: ClinVar variation 3363889 (VCV003363889.1).

ClinVar aggregate classification (germline): Uncertain significance (1 of 4 stars; one submission).

Submission:

GeneDx
Classification: Uncertain significance. Last evaluated: 2023-11-03. Review status: criteria provided, single submitter. Criteria: GeneDx Variant Classification Process June 2021. Collection method: clinical testing. Allele origin: germline. Affected: yes.
Comment: Not observed at significant frequency in large population cohorts (gnomAD); Nonsense variant predicted to result in protein truncation or nonsense mediated decay in a gene or region of a gene for which loss of function is not a well-established mechanism of disease; Has not been previously published as pathogenic or benign to our knowledge